The following is an entry in ClinVar:

ClinVar aggregate classification (germline): Likely benign. Review status: criteria provided, multiple submitters, no conflicts (2 of 4 stars). 2 submissions from 2 submitters: Likely benign (2). Last evaluated 2024-09-04.

Conditions:
Familial cancer of breast. Also called: BREAST CANCER, FAMILIAL; hereditary breast carcinoma; Hereditary breast cancer. Identifiers: Orphanet 227535, MedGen C0346153, MONDO:0016419, OMIM 114480. Disease mechanism: loss of function.
Fanconi anemia complementation group J. Also called: BRIP1-Related Fanconi Anemia. Identifiers: Orphanet 84, MedGen C1836860, MONDO:0012187, OMIM 609054.

Submissions (2):

Myriad Genetics, Inc.
Classification: Likely benign for Familial cancer of breast. Last evaluated: 2024-09-04. Review status: criteria provided, single submitter. Criteria: Myriad Autosomal Dominant, Autosomal Recessive and X-Linked Classification Criteria (2023). Collection method: clinical testing. Allele origin: unknown.
Comment: This variant is considered likely benign. This variant is intronic and is not expected to impact mRNA splicing.

Labcorp Genetics (formerly Invitae), Labcorp
Classification: Likely benign for Familial cancer of breast; Fanconi anemia complementation group J. Last evaluated: 2023-09-14. Review status: criteria provided, single submitter. Criteria: Invitae Variant Classification Sherloc (09022015). Collection method: clinical testing. Allele origin: germline.

NM_032043.3(BRIP1):c.2258-9_2258-8dup

Gene: BRIP1 (BRCA1 interacting DNA helicase 1; minus strand). Cytogenetic location: 17q23.2.
Variant type: Duplication.
Coding change: c.2258-9_2258-8dup on transcript NM_032043.3 (MANE Select); 9 bases into the intron before coding-DNA position 2258 through 8 bases into the intron before coding-DNA position 2258, 2 bases duplicated (TT; older notation c.2258-9_2258-8dupTT).
Molecular consequence: intron variant.
Genome position (GRCh38, 1-based): chr17:61,743,142-61,743,143, AA duplicated on the plus strand (TT on the coding strand, the reverse complement: BRIP1 is on the minus strand). VCF-style (leftmost placement, unchanged base first): chr17-61743141-C-CAA. GRCh37 (hg19) VCF-style: chr17-59820502-C-CAA.
Identifiers: ClinVar variation 2951914 (VCV002951914.4), dbSNP rs2544828275, ClinGen allele CA2740093850.